The following is an entry in ClinVar:

NM_005876.5(SPEG):c.3193C>A (p.Leu1065Met)

Gene: SPEG (striated muscle enriched protein kinase; plus strand). Cytogenetic location: 2q35.
Variant type: single nucleotide variant.
Coding change: c.3193C>A on transcript NM_005876.5 (MANE Select); coding-DNA position 3193, C replaced by A.
Protein change: p.Leu1065Met; replaces leucine 1065 with methionine.
Molecular consequence: missense variant.
Genome position (GRCh38, 1-based): chr2:219,468,628, C>A. VCF-style: chr2-219468628-C-A. GRCh37 (hg19) VCF-style: chr2-220333350-C-A.
Other names: short protein forms L1065M.
Identifiers: ClinVar variation 2874278 (VCV002874278.3), dbSNP rs367920348, ClinGen allele CA350744891.

ClinVar aggregate classification (germline): Uncertain significance (1 of 4 stars; one submission).

gnomAD v4.1: 15 of 1,613,898 alleles (0.00093%); highest among the groups gnomAD compares: Non-Finnish European, 0.0013%; no homozygotes.

Submission:

Labcorp Genetics (formerly Invitae), Labcorp
Classification: Uncertain significance. Last evaluated: 2024-03-01. Review status: criteria provided, single submitter. Criteria: Invitae Variant Classification Sherloc (09022015). Collection method: clinical testing. Allele origin: germline.
Comment: This sequence change replaces leucine, which is neutral and non-polar, with methionine, which is neutral and non-polar, at codon 1065 of the SPEG protein (p.Leu1065Met). This variant is present in population databases (no rsID available, gnomAD 0.0009%). This variant has not been reported in the literature in individuals affected with SPEG-related conditions. An algorithm developed to predict the effect of missense changes on protein structure and function (PolyPhen-2) suggests that this variant is likely to be disruptive. In summary, the available evidence is currently insufficient to determine the role of this variant in disease. Therefore, it has been classified as a Variant of Uncertain Significance.